The following is an entry in ClinVar:

ClinVar aggregate classification (germline): Uncertain significance. Review status: criteria provided, multiple submitters, no conflicts (2 of 4 stars). 2 submissions from 2 submitters: Uncertain significance (2). Last evaluated 2023-11-06.

Allele frequency attached by ClinVar (database versions not stated): gnomAD exomes below 0.00001; ExAC 0.00001; gnomAD 0.00001.
gnomAD v4.1: 4 of 1,614,028 alleles (0.00025%); highest among the groups gnomAD compares: Admixed American, 0.0033%; no homozygotes.

Submissions (2):

Labcorp Genetics (formerly Invitae), Labcorp
Classification: Uncertain significance. Last evaluated: 2023-11-06. Review status: criteria provided, single submitter. Criteria: Invitae Variant Classification Sherloc (09022015). Collection method: clinical testing. Allele origin: germline.
Comment: This sequence change replaces valine, which is neutral and non-polar, with alanine, which is neutral and non-polar, at codon 244 of the RTN4IP1 protein (p.Val244Ala). This variant is present in population databases (rs748837830, gnomAD no frequency). This variant has not been reported in the literature in individuals affected with RTN4IP1-related conditions. ClinVar contains an entry for this variant (Variation ID: 624259). Advanced modeling of protein sequence and biophysical properties (such as structural, functional, and spatial information, amino acid conservation, physicochemical variation, residue mobility, and thermodynamic stability) performed at Invitae indicates that this missense variant is not expected to disrupt RTN4IP1 protein function with a negative predictive value of 80%. In summary, the available evidence is currently insufficient to determine the role of this variant in disease. Therefore, it has been classified as a Variant of Uncertain Significance.

CeGaT Center for Human Genetics Tuebingen
Classification: Uncertain significance. Last evaluated: 2018-09-01. Review status: criteria provided, single submitter. Criteria: CeGaT Center For Human Genetics Tuebingen Variant Classification Criteria Version 2. Collection method: clinical testing. Allele origin: germline. Affected: yes. Observed: 1 variant allele.

NM_032730.5(RTN4IP1):c.731T>C (p.Val244Ala)

Gene: RTN4IP1 (reticulon 4 interacting protein 1; minus strand). Cytogenetic location: 6q21.
Variant type: single nucleotide variant.
Coding change: c.731T>C on transcript NM_032730.5 (MANE Select); coding-DNA position 731, T replaced by C.
Protein change: p.Val244Ala; replaces valine 244 with alanine.
Molecular consequence: missense variant.
Genome position (GRCh38, 1-based): chr6:106,592,239, A>G on the plus strand (T>C on the coding strand, the complement: RTN4IP1 is on the minus strand). VCF-style: chr6-106592239-A-G. GRCh37 (hg19) VCF-style: chr6-107040114-A-G.
Other names: c.431T>C, p.Val144Ala (NM_001318746.1); short protein forms V244A, V144A.
Identifiers: ClinVar variation 624259 (VCV000624259.49), dbSNP rs748837830, ClinGen allele CA3944384.